The following is an entry in ClinVar:

ClinVar aggregate classification (germline): Pathogenic (1 of 4 stars; one submission).

Submission:

GeneDx
Classification: Pathogenic. Last evaluated: 2018-05-14. Review status: criteria provided, single submitter. Criteria: GeneDx Variant Classification (06012015). Collection method: clinical testing. Allele origin: germline. Affected: yes.
Comment: An E167X pathogenic variant has been identified in the PCDH19 gene. The E167X variant is not observed in large population cohorts (Lek et al., 2016). The E167X nonsense variant in the PCDH19 gene is predicted to cause loss of normal protein function either through protein truncation or nonsense-mediated mRNA decay.

NM_001184880.2(PCDH19):c.499G>T (p.Glu167Ter)

Gene: PCDH19 (protocadherin 19; minus strand). Cytogenetic location: Xq22.1.
Variant type: single nucleotide variant.
Coding change: c.499G>T on transcript NM_001184880.2 (MANE Select); coding-DNA position 499, G replaced by T.
Protein change: p.Glu167Ter; replaces glutamic acid 167 with a stop codon.
Molecular consequence: nonsense.
Genome position (GRCh38, 1-based): chrX:100,408,099, C>A on the plus strand (G>T on the coding strand, the complement: PCDH19 is on the minus strand). VCF-style: chrX-100408099-C-A. GRCh37 (hg19) VCF-style: chrX-99663097-C-A.
Other names: c.499G>T, p.Glu167Ter (NM_001105243.2, NM_020766.3); short protein forms E167*.
Identifiers: ClinVar variation 546029 (VCV000546029.2), dbSNP rs1555985623, ClinGen allele CA414009496.